The following is an entry in ClinVar:

ClinVar aggregate classification (germline): Uncertain significance. Review status: criteria provided, multiple submitters, no conflicts (2 of 4 stars). 2 submissions from 2 submitters: Uncertain significance (2). Last evaluated 2019-06-27.

Conditions:
Early-infantile DEE. Also called: Ohtahara syndrome; Early infantile epileptic encephalopathy; Early infantile epileptic encephalopathy with suppression bursts. Identifiers: Orphanet 1934, MedGen C0393706, MONDO:0800491.

Submissions (2):

Labcorp Genetics (formerly Invitae), Labcorp
Classification: Uncertain significance for Early-infantile DEE. Last evaluated: 2019-06-27. Review status: criteria provided, single submitter. Criteria: Invitae Variant Classification Sherloc (09022015). Collection method: clinical testing. Allele origin: germline.
Comment: This sequence change replaces phenylalanine with serine at codon 1289 of the SCN1A protein (p.Phe1289Ser). The phenylalanine residue is highly conserved and there is a large physicochemical difference between phenylalanine and serine. This variant is not present in population databases (ExAC no frequency) and has not been reported in the literature in individuals with a SCN1A-related disease. ClinVar contains an entry for this variant (Variation ID: 194932). This variant identified in the SCN1A gene is located in the transmembrane DIII-S3 region of the resulting protein (PMID: 25348405), but it is unclear how this variant impacts the function of this protein. Algorithms developed to predict the effect of missense changes on protein structure and function (SIFT, PolyPhen-2, Align-GVGD) all suggest that this variant is likely to be disruptive, but these predictions have not been confirmed by published functional studies. In summary, this variant is a rare missense change with uncertain impact on protein function. It has been classified as a Variant of Uncertain Significance.

Eurofins Ntd Llc (ga)
Classification: Uncertain significance. Last evaluated: 2014-08-29. Review status: criteria provided, single submitter. Criteria: EGL Classification Definitions 2015. Collection method: clinical testing. Allele origin: germline. Observed: 1 variant allele, 1 heterozygote.

Literature cited by the submitters: PubMed 25348405 (cited by Labcorp Genetics (formerly Invitae), Labcorp).

NM_001165963.4(SCN1A):c.3866T>C (p.Phe1289Ser)

Genes: SCN1A (sodium voltage-gated channel alpha subunit 1; minus strand), LOC102724058 (uncharacterized LOC102724058; plus strand). Cytogenetic location: 2q24.3.
Variant type: single nucleotide variant.
Coding change: c.3866T>C on transcript NM_001165963.4 (MANE Select); coding-DNA position 3866, T replaced by C.
Protein change: p.Phe1289Ser; replaces phenylalanine 1289 with serine.
Molecular consequence: missense variant. On other transcripts: non-coding transcript variant (1).
Genome position (GRCh38, 1-based): chr2:166,012,122, A>G on the plus strand (T>C on the coding strand, the complement: SCN1A is on the minus strand). VCF-style: chr2-166012122-A-G. GRCh37 (hg19) VCF-style: chr2-166868632-A-G.
Other names: c.3782T>C, p.Phe1261Ser (NM_001165964.3, NM_001353957.2, NM_001353958.2); c.3866T>C, p.Phe1289Ser (NM_001202435.3, NM_001353948.2); c.3833T>C, p.Phe1278Ser (NM_001353949.2, NM_001353950.2, NM_001353951.2 and 2 more transcripts); c.3830T>C, p.Phe1277Ser (NM_001353954.2, NM_001353955.2); c.3779T>C, p.Phe1260Ser (NM_001353960.2); c.1424T>C, p.Phe475Ser (NM_001353961.2); short protein forms F1278S, F1289S, F1261S, F475S, F1260S, F1277S.
Identifiers: ClinVar variation 194932 (VCV000194932.15), dbSNP rs794727224, ClinGen allele CA241171.